The following is an entry in ClinVar:

ClinVar aggregate classification (germline): Pathogenic (1 of 4 stars; one submission).

Submission:

Labcorp Genetics (formerly Invitae), Labcorp
Classification: Pathogenic. Last evaluated: 2022-06-27. Review status: criteria provided, single submitter. Criteria: Invitae Variant Classification Sherloc (09022015). Collection method: clinical testing. Allele origin: germline.
Comment: For these reasons, this variant has been classified as Pathogenic. This variant has not been reported in the literature in individuals affected with CNGB3-related conditions. This variant is a gross deletion of the genomic region encompassing exon(s) 1-3 of the CNGB3 gene, which includes the initiator codon. This deletion extends beyond the assayed region for this gene and therefore may encompass additional genes. It is expected to result in an absent or disrupted protein product. Loss-of-function variants in CNGB3 are known to be pathogenic (PMID: 28795510).

Literature cited by the submitters: PubMed 28795510.

NC_000008.10:g.(?_87738749)_(87755865_?)del

Gene: CNGB3 (cyclic nucleotide gated channel subunit beta 3; minus strand). Cytogenetic location: 8q21.3.
Variant type: Deletion.
Identifiers: ClinVar variation 1457526 (VCV001457526.5).